The following is an entry in ClinVar:

NM_006308.3(HSPB3):c.2T>C (p.Met1Thr)

Gene: HSPB3 (heat shock protein family B (small) member 3; plus strand). Cytogenetic location: 5q11.2.
Variant type: single nucleotide variant.
Coding change: c.2T>C on transcript NM_006308.3 (MANE Select); coding-DNA position 2, T replaced by C.
Protein change: p.Met1Thr; changes the start codon (methionine 1).
Molecular consequence: missense variant, initiator codon variant.
Genome position (GRCh38, 1-based): chr5:54,455,791, T>C. VCF-style: chr5-54455791-T-C. GRCh37 (hg19) VCF-style: chr5-53751621-T-C.
Other names: short protein forms M1T.
Identifiers: ClinVar variation 1019333 (VCV001019333.7), dbSNP rs769845878, ClinGen allele CA3264584.

ClinVar aggregate classification (germline): Uncertain significance (1 of 4 stars; one submission).

Conditions:
Neuronopathy, distal hereditary motor, type 2C. Also called: NEUROPATHY, DISTAL HEREDITARY MOTOR, AUTOSOMAL DOMINANT 4; NEURONOPATHY, DISTAL HEREDITARY MOTOR, HARDING TYPE IIC; NEUROPATHY, DISTAL HEREDITARY MOTOR, HARDING TYPE IIC; HMN IIC. Identifiers: Orphanet 139525, MedGen C3150619, MONDO:0013243, OMIM 613376.

Allele frequency attached by ClinVar (database versions not stated): gnomAD exomes 0.00003 and 0.00008; TOPMed 0.00004; ExAC 0.00010.

Submission:

Labcorp Genetics (formerly Invitae), Labcorp
Classification: Uncertain significance for Neuronopathy, distal hereditary motor, type 2C. Last evaluated: 2025-11-26. Review status: criteria provided, single submitter. Criteria: Invitae Variant Classification Sherloc (09022015). Collection method: clinical testing. Allele origin: germline.
Comment: This sequence change affects the initiator codon of the HSPB3 mRNA. This change may impact translation initiation or efficiency. The next in-frame methionine is located at codon 104. This variant is present in population databases (rs769845878, gnomAD 0.06%), and has an allele count higher than expected for a pathogenic variant. This variant has not been reported in the literature in individuals affected with HSPB3-related conditions. ClinVar contains an entry for this variant (Variation ID: 1019333). In summary, the available evidence is currently insufficient to determine the role of this variant in disease. Therefore, it has been classified as a Variant of Uncertain Significance.